The following is an entry in ClinVar:

ClinVar aggregate classification (germline): Likely pathogenic (1 of 4 stars; one submission).

Conditions:
Autosomal recessive polycystic kidney disease (ARPKD). Also called: AR polycystic kidney disease. Identifiers: Orphanet 731, Orphanet 8378, MedGen C0085548, MeSH D017044, MONDO:0009889.

gnomAD v4.1: 1 of 1,613,962 alleles (0.000062%); highest among the groups gnomAD compares: Non-Finnish European, 0.000085%; no homozygotes.

Submission:

Natera, Inc.
Classification: Likely pathogenic for Autosomal recessive polycystic kidney disease. Last evaluated: 2024-12-04. Review status: criteria provided, single submitter. Criteria: Natera Variant Classification Schema (03/2026). Collection method: clinical testing. Allele origin: germline.
Comment: The c.7853T>A variant in PKHD1 is a nonsense variant predicted to introduce a stop codon at amino acid 2618. This variant is expected to result in nonsense mediated decay, truncation, or a dysfunctional protein product. This variant is rare in the general population with a frequency below the threshold expected for the associated phenotype(s). Given the available evidence, this variant is classified as Likely Pathogenic.

NM_138694.4(PKHD1):c.7853T>A (p.Leu2618Ter)

Gene: PKHD1 (PKHD1 ciliary IPT domain containing fibrocystin/polyductin; minus strand). Cytogenetic location: 6p12.2.
Variant type: single nucleotide variant.
Coding change: c.7853T>A on transcript NM_138694.4 (MANE Select); coding-DNA position 7853, T replaced by A.
Protein change: p.Leu2618Ter; replaces leucine 2618 with a stop codon.
Molecular consequence: nonsense.
Genome position (GRCh38, 1-based): chr6:51,855,951, A>T on the plus strand (T>A on the coding strand, the complement: PKHD1 is on the minus strand). VCF-style: chr6-51855951-A-T. GRCh37 (hg19) VCF-style: chr6-51720749-A-T.
Other names: c.7853T>A, p.Leu2618Ter (NM_170724.3); short protein forms L2618*.
Identifiers: ClinVar variation 4816756 (VCV004816756.1).